The following is an entry in ClinVar:

NM_000179.3(MSH6):c.*23_*26dup

Gene: MSH6 (mutS homolog 6; plus strand). Cytogenetic location: 2p16.3.
Variant type: Duplication.
Coding change: c.*23_*26dup on transcript NM_000179.3 (MANE Select); 23 bases downstream of the stop codon through 26 bases downstream of the stop codon, 4 bases duplicated (AGTT; older notation c.*23_*26dupAGTT).
Molecular consequence: 3 prime UTR variant. On other transcripts: non-coding transcript variant (5).
Genome position (GRCh38, 1-based): chr2:47,806,883-47,806,886, AGTT duplicated. VCF-style (leftmost placement, unchanged base first): chr2-47806882-G-GAGTT. GRCh37 (hg19) VCF-style: chr2-48034021-G-GAGTT.
Other names: c.*23_*26dup (NM_001281492.2, NM_001281493.2, NM_001281494.2 and 33 more transcripts); c.*127_*130dup (NM_001406800.1); c.*87_*90dup (NM_001406801.1, NM_001406802.1, NM_001406808.1 and 1 more transcripts).
Identifiers: ClinVar variation 2650884 (VCV002650884.25), dbSNP rs781241504, ClinGen allele CA1649520.

ClinVar aggregate classification (germline): Uncertain significance. Review status: criteria provided, multiple submitters, no conflicts (2 of 4 stars). 2 submissions from 2 submitters: Uncertain significance (2). Last evaluated 2024-03-20.

Conditions:
Mismatch repair cancer syndrome 3. Identifiers: MedGen C5436807, MONDO:0030841, OMIM 619097.
Endometrial carcinoma. Also called: Endometrial carcinoma, somatic. Identifiers: MedGen C0476089, MONDO:0002447, OMIM 608089, HP:0012114.
Lynch syndrome 5 (LYNCH5). Also called: Colorectal cancer, hereditary nonpolyposis, type 5; Hereditary non-polyposis colorectal cancer, type 5. Identifiers: Orphanet 144, MedGen C1833477, MONDO:0013710, OMIM 614350. Disease mechanism: loss of function.

Allele frequency attached by ClinVar (database versions not stated): TOPMed below 0.00001; gnomAD 0.00001; ExAC 0.00002; gnomAD exomes 0.00002.

Submissions (2):

Fulgent Genetics
Classification: Uncertain significance for Endometrial carcinoma; Lynch syndrome 5; Mismatch repair cancer syndrome 3. Last evaluated: 2024-03-20. Review status: criteria provided, single submitter. Criteria: ACMG Guidelines, 2015. Collection method: clinical testing. Allele origin: germline.

CeGaT Center for Human Genetics Tuebingen
Classification: Uncertain significance. Last evaluated: 2023-09-01. Review status: criteria provided, single submitter. Criteria: CeGaT Center For Human Genetics Tuebingen Variant Classification Criteria Version 2. Collection method: clinical testing. Allele origin: germline. Affected: yes. Observed: 1 variant allele.
Comment: MSH6: PP1:Strong, BP1